The following is an entry in ClinVar:

NM_001909.5(CTSD):c.407C>T (p.Thr136Ile)

Gene: CTSD (cathepsin D; minus strand). Cytogenetic location: 11p15.5.
Variant type: single nucleotide variant.
Coding change: c.407C>T on transcript NM_001909.5 (MANE Select); coding-DNA position 407, C replaced by T.
Protein change: p.Thr136Ile; replaces threonine 136 with isoleucine.
Molecular consequence: missense variant.
Genome position (GRCh38, 1-based): chr11:1,759,033, G>A on the plus strand (C>T on the coding strand, the complement: CTSD is on the minus strand). VCF-style: chr11-1759033-G-A. GRCh37 (hg19) VCF-style: chr11-1780263-G-A.
Other names: short protein forms T136I.
Identifiers: ClinVar variation 2081221 (VCV002081221.4), dbSNP rs11555043, ClinGen allele CA216174922.

ClinVar aggregate classification (germline): Uncertain significance (1 of 4 stars; one submission).

Conditions:
Neuronal ceroid lipofuscinosis. Also called: Neuronal Ceroid Lipofuscinoses. Identifiers: Orphanet 216, Orphanet 79263, MedGen C0027877, MONDO:0016295. Disease mechanism: loss of function.

Submission:

Labcorp Genetics (formerly Invitae), Labcorp
Classification: Uncertain significance for Neuronal ceroid lipofuscinosis. Last evaluated: 2022-08-10. Review status: criteria provided, single submitter. Criteria: Invitae Variant Classification Sherloc (09022015). Collection method: clinical testing. Allele origin: germline.
Comment: In summary, the available evidence is currently insufficient to determine the role of this variant in disease. Therefore, it has been classified as a Variant of Uncertain Significance. Algorithms developed to predict the effect of missense changes on protein structure and function are either unavailable or do not agree on the potential impact of this missense change (SIFT: "Deleterious"; PolyPhen-2: "Probably Damaging"; Align-GVGD: "Class C0"). This variant has not been reported in the literature in individuals affected with CTSD-related conditions. This variant is not present in population databases (gnomAD no frequency). This sequence change replaces threonine, which is neutral and polar, with isoleucine, which is neutral and non-polar, at codon 136 of the CTSD protein (p.Thr136Ile).